The following is an entry in ClinVar:

NM_032119.4(ADGRV1):c.15719C>T (p.Thr5240Ile)

Gene: ADGRV1 (adhesion G protein-coupled receptor V1; plus strand). Cytogenetic location: 5q14.3.
Variant type: single nucleotide variant.
Coding change: c.15719C>T on transcript NM_032119.4 (MANE Select); coding-DNA position 15719, C replaced by T.
Protein change: p.Thr5240Ile; replaces threonine 5240 with isoleucine.
Molecular consequence: missense variant. On other transcripts: non-coding transcript variant (1).
Genome position (GRCh38, 1-based): chr5:90,810,979, C>T. VCF-style: chr5-90810979-C-T. GRCh37 (hg19) VCF-style: chr5-90106796-C-T.
Other names: short protein forms T5240I.
Identifiers: ClinVar variation 505258 (VCV000505258.13), dbSNP rs768299251, ClinGen allele CA3341968.
Genomic context (GRCh38, chr5:90,810,979, plus strand): 5'-TCAGCCTTGGGCCATCCATTGTTTATATTGAAGAGGAGATGAAGAATGGCACATTCAACA[C>T]TGCAGAAGTTCTTATCCGAAGAACTGGTGGGTTTACTGGCAATGTCAGCATAACAGTTAA-3'
Protein context (NP_115495.3, residues 5230-5250): EEEMKNGTFN[Thr5240Ile]AEVLIRRTGG

ClinVar aggregate classification (germline): Conflicting classifications of pathogenicity. Review status: criteria provided, conflicting classifications (1 of 4 stars). 6 submissions from 6 submitters: Uncertain significance (3); Likely benign (3). Last evaluated 2026-07-01.

Allele frequency attached by ClinVar (database versions not stated): ExAC 0.00002; gnomAD exomes 0.00002; TOPMed 0.00002.
gnomAD v4.1: 14 of 1,614,024 alleles (0.00087%); highest among the groups gnomAD compares: Admixed American, 0.0067%; no homozygotes.

Submissions (6):

CeGaT Center for Human Genetics Tuebingen
Classification: Likely benign. Last evaluated: 2026-07-01. Review status: criteria provided, single submitter. Criteria: CeGaT Center For Human Genetics Tuebingen Variant Classification Criteria Version 2. Collection method: clinical testing. Allele origin: germline. Affected: yes. Observed: 1 variant allele.
Comment: ADGRV1: BP4

Women's Health and Genetics/Laboratory Corporation of America, LabCorp
Classification: Uncertain significance. Last evaluated: 2026-01-14. Review status: criteria provided, single submitter. Criteria: LabCorp Variant Classification Summary - May 2015. Collection method: clinical testing. Allele origin: germline.
Comment: Variant summary: ADGRV1 c.15719C>T (p.Thr5240Ile) results in a non-conservative amino acid change in the encoded protein sequence. Algorithms developed to predict the effect of missense changes on protein structure and function are either unavailable or do not agree on the potential impact of this missense change. The variant allele was found at a frequency of 2e-05 in 248720 control chromosomes. The available data on variant occurrences in the general population are insufficient to allow any conclusion about variant significance. To our knowledge, no occurrence of c.15719C>T in individuals affected with ADGRV1-related conditions and no experimental evidence demonstrating its impact on protein function have been reported. ClinVar contains an entry for this variant (Variation ID: 505258). Based on the evidence outlined above, the variant was classified as uncertain significance.

Athena Diagnostics
Classification: Uncertain significance. Last evaluated: 2025-04-21. Review status: criteria provided, single submitter. Criteria: Athena Diagnostics Criteria. Collection method: clinical testing. Allele origin: unknown.
Comment: Available data are insufficient to determine the clinical significance of the variant at this time. The frequency of this variant in the general population is uninformative in assessment of its pathogenicity. Polyphen and MutationTaster predict this amino acid change may be benign.

GeneDx
Classification: Uncertain significance. Last evaluated: 2025-03-19. Review status: criteria provided, single submitter. Criteria: GeneDx Variant Classification Process June 2021. Collection method: clinical testing. Allele origin: germline.
Comment: In silico analysis indicates that this missense variant does not alter protein structure/function; Has not been previously published as pathogenic or benign to our knowledge

Labcorp Genetics (formerly Invitae), Labcorp
Classification: Likely benign. Last evaluated: 2023-08-30. Review status: criteria provided, single submitter. Criteria: Invitae Variant Classification Sherloc (09022015). Collection method: clinical testing. Allele origin: germline.

Laboratory for Molecular Medicine, Mass General Brigham Personalized Medicine
Classification: Likely benign. Last evaluated: 2016-08-16. Review status: criteria provided, single submitter. Criteria: LMM Criteria. Collection method: clinical testing. Allele origin: germline. Observed: 1 variant allele.
Comment: p.Thr5240Ile in exon 74 of GPR98: This variant is not expected to have clinical significance due to a lack of conservation across species, including mammals. Of note, elephants and aardvarks have a threonine (Thr) at this position despite h igh nearby amino acid conservation. In addition, computational prediction tools do not suggest a high likelihood of impact to the protein. It has been identifie d in 2/11552 Latino chromosomes by the Exome Aggregation Consortium (ExAC)